The following is an entry in ClinVar:

ClinVar aggregate classification (germline): Uncertain significance. Review status: criteria provided, multiple submitters, no conflicts (2 of 4 stars). 4 submissions from 4 submitters: Uncertain significance (4). Last evaluated 2025-10-03.

Conditions:
Neonatal-onset encephalopathy with rigidity and seizures. Also called: Lethal neonatal spasticity-epileptic encephalopathy syndrome. Identifiers: Orphanet 435845, MedGen C3281029, MONDO:0013784, OMIM 614498.

Allele frequency attached by ClinVar (database versions not stated): TOPMed 0.00004; ESP Exome Variant Server 0.00015.

Submissions (4):

Women's Health and Genetics/Laboratory Corporation of America, LabCorp
Classification: Uncertain significance. Last evaluated: 2025-10-03. Review status: criteria provided, single submitter. Criteria: LabCorp Variant Classification Summary - May 2015. Collection method: clinical testing. Allele origin: germline.
Comment: Variant summary: BRAT1 c.545G>A (p.Gly182Glu) results in a non-conservative amino acid change in the encoded protein sequence. Algorithms developed to predict the effect of missense changes on protein structure and function are either unavailable or do not agree on the potential impact of this missense change. The variant allele was found at a frequency of 3.6e-05 in 248778 control chromosomes (gnomAD). The available data on variant occurrences in the general population are insufficient to allow any conclusion about variant significance. c.545G>A has been observed in one individual affected with Early-onset epileptic encephalopathy (Rudolf_2020). The report does not provide unequivocal conclusions about association of the variant with Neurodevelopmental Disorder With Cerebellar Atrophy And With Or Without Seizures. To our knowledge, no experimental evidence demonstrating an impact on protein function has been reported. The following publication have been ascertained in the context of this evaluation (PMID: 32600977). ClinVar contains an entry for this variant (Variation ID: 582712). Based on the evidence outlined above, the variant was classified as uncertain significance.

Labcorp Genetics (formerly Invitae), Labcorp
Classification: Uncertain significance for Neonatal-onset encephalopathy with rigidity and seizures. Last evaluated: 2025-09-10. Review status: criteria provided, single submitter. Criteria: Invitae Variant Classification Sherloc (09022015). Collection method: clinical testing. Allele origin: germline.
Comment: This sequence change replaces glycine, which is neutral and non-polar, with glutamic acid, which is acidic and polar, at codon 182 of the BRAT1 protein (p.Gly182Glu). This variant is present in population databases (rs148598276, gnomAD 0.01%). This missense change has been observed in individual(s) with atypical Rolandic epilepsy (PMID: 32600977). ClinVar contains an entry for this variant (Variation ID: 582712). Invitae Evidence Modeling of protein sequence and biophysical properties (such as structural, functional, and spatial information, amino acid conservation, physicochemical variation, residue mobility, and thermodynamic stability) indicates that this missense variant is not expected to disrupt BRAT1 protein function with a negative predictive value of 95%. In summary, the available evidence is currently insufficient to determine the role of this variant in disease. Therefore, it has been classified as a Variant of Uncertain Significance.

GeneDx
Classification: Uncertain significance. Last evaluated: 2021-11-09. Review status: criteria provided, single submitter. Criteria: GeneDx Variant Classification Process June 2021. Collection method: clinical testing. Allele origin: germline. Affected: yes.
Comment: Not observed at significant frequency in large population cohorts (Lek et al., 2016); In silico analysis supports that this missense variant does not alter protein structure/function; Has not been previously published as pathogenic or benign to our knowledge

Greenwood Genetic Center Diagnostic Laboratories, Greenwood Genetic Center
Classification: Uncertain significance. Last evaluated: 2021-08-12. Review status: criteria provided, single submitter. Criteria: ACMG Guidelines, 2015. Collection method: clinical testing. Allele origin: germline. Affected: yes.
Comment: BP4, PM2

Literature cited by the submitters: PubMed 32600977 (cited by Women's Health and Genetics/Laboratory Corporation of America, LabCorp and Labcorp Genetics (formerly Invitae), Labcorp).

NM_152743.4(BRAT1):c.545G>A (p.Gly182Glu)

Gene: BRAT1 (BRCA1 associated ATM activator 1; minus strand). Cytogenetic location: 7p22.3.
Variant type: single nucleotide variant.
Coding change: c.545G>A on transcript NM_152743.4 (MANE Select); coding-DNA position 545, G replaced by A.
Protein change: p.Gly182Glu; replaces glycine 182 with glutamic acid.
Molecular consequence: missense variant. On other transcripts: non-coding transcript variant (1).
Genome position (GRCh38, 1-based): chr7:2,543,848, C>T on the plus strand (G>A on the coding strand, the complement: BRAT1 is on the minus strand). VCF-style: chr7-2543848-C-T. GRCh37 (hg19) VCF-style: chr7-2583482-C-T.
Other names: c.545G>A, p.Gly182Glu (NM_001350626.2); c.20G>A, p.Gly7Glu (NM_001350627.2); short protein forms G182E, G7E.
Identifiers: ClinVar variation 582712 (VCV000582712.15), dbSNP rs148598276, ClinGen allele CA4128168.
Genomic context (GRCh38, chr7:2,543,848, plus strand): 5'-ACGTGATCCATGATCTTCTGGGCACACGCGGGCCAGTCACCCCCCGGCAGGCAGGGCTGC[C>T]CCTCGGCTCCACCTCGCATGGACAAAGCCAGGACGTGCACCAGGAGCTGACTGGCCGCCG-3'
Protein context (NP_689956.2, residues 172-192): LALSMRGGAE[Gly182Glu]QPCLPGGDWP